The following is an entry in ClinVar:

ClinVar aggregate classification (germline): Benign (1 of 4 stars; one submission).

Conditions:
Isolated focal non-epidermolytic palmoplantar keratoderma. Also called: Palmoplantar keratoderma, nonepidermolytic, focal 2. Identifiers: Orphanet 448264, MedGen C4225339, MONDO:0014622, OMIM 616400.

Allele frequency attached by ClinVar (database versions not stated): 1000 Genomes Project 0.00080; gnomAD 0.00306 and 0.00309; 1000 Genomes Project 30x 0.00094; TOPMed 0.00224.

Submission:

Illumina Laboratory Services, Illumina
Classification: Benign for Isolated focal non-epidermolytic palmoplantar keratoderma. Last evaluated: 2018-01-12. Review status: criteria provided, single submitter. Criteria: ICSL Variant Classification Criteria 13 December 2019. Collection method: clinical testing. Allele origin: germline.
Comment: This variant was observed in the ICSL laboratory as part of a predisposition screen in an ostensibly healthy population. It had not been previously curated by ICSL or reported in the Human Gene Mutation Database (HGMD: prior to June 1st, 2018), and was therefore a candidate for classification through an automated scoring system. Utilizing variant allele frequency, disease prevalence and penetrance estimates, and inheritance mode, an automated score was calculated to assess if this variant is too frequent to cause the disease. Based on the score and internal cut-off values, a variant classified as benign is not then subjected to further curation. The score for this variant resulted in a classification of benign for this disease.

NM_145068.3(TRPV3):c.-226G>C

Gene: TRPV3 (transient receptor potential cation channel subfamily V member 3; minus strand). Cytogenetic location: 17p13.2.
Variant type: single nucleotide variant.
Coding change: c.-226G>C on transcript NM_145068.3; 226 bases upstream of the start codon, G replaced by C.
Genome position (GRCh38, 1-based): chr17:3,557,899, C>G on the plus strand (G>C on the coding strand, the complement: TRPV3 is on the minus strand). VCF-style: chr17-3557899-C-G. GRCh37 (hg19) VCF-style: chr17-3461193-C-G.
Identifiers: ClinVar variation 322808 (VCV000322808.7), dbSNP rs187117947, ClinGen allele CA10649088.